The following is an entry in ClinVar:

ClinVar aggregate classification (germline): Uncertain significance. Review status: criteria provided, multiple submitters, no conflicts (2 of 4 stars). 2 submissions from 2 submitters: Uncertain significance (2). Last evaluated 2024-11-17.

Allele frequency attached by ClinVar (database versions not stated): gnomAD exomes 0.00005; ExAC 0.00007.
gnomAD v4.1: 33 of 1,614,022 alleles (0.002%); no homozygotes.

Submissions (2):

Ambry Genetics
Classification: Uncertain significance. Last evaluated: 2024-11-17. Review status: criteria provided, single submitter. Criteria: Ambry Variant Classification Scheme 2023. Collection method: clinical testing. Allele origin: germline.
Comment: The p.L584R variant (also known as c.1751T>G), located in coding exon 12 of the RINT1 gene, results from a T to G substitution at nucleotide position 1751. The leucine at codon 584 is replaced by arginine, an amino acid with dissimilar properties. This amino acid position is conserved. In addition, the in silico prediction for this alteration is inconclusive. Since supporting evidence is limited at this time, the clinical significance of this alteration remains unclear.

Labcorp Genetics (formerly Invitae), Labcorp
Classification: Uncertain significance. Last evaluated: 2018-05-10. Review status: criteria provided, single submitter. Criteria: Invitae Variant Classification Sherloc (09022015). Collection method: clinical testing. Allele origin: germline.
Comment: In summary, the available evidence is currently insufficient to determine the role of this variant in disease. Therefore, it has been classified as a Variant of Uncertain Significance. Algorithms developed to predict the effect of missense changes on protein structure and function do not agree on the potential impact of this missense change (SIFT: "Tolerated"; PolyPhen-2: "Probably Damaging"; Align-GVGD: "Class C0"). This variant has not been reported in the literature in individuals with RINT1-related disease. This variant is present in population databases (rs752301281, ExAC 0.1%), and has an allele count higher than expected for a pathogenic variant (PMID: 28166811). This sequence change replaces leucine with arginine at codon 584 of the RINT1 protein (p.Leu584Arg). The leucine residue is highly conserved and there is a moderate physicochemical difference between leucine and arginine.

Literature cited by the submitters: PubMed 28166811 (cited by Labcorp Genetics (formerly Invitae), Labcorp).

NM_021930.6(RINT1):c.1751T>G (p.Leu584Arg)

Gene: RINT1 (RAD50 interactor 1; plus strand). Cytogenetic location: 7q22.3.
Variant type: single nucleotide variant.
Coding change: c.1751T>G on transcript NM_021930.6 (MANE Select); coding-DNA position 1751, T replaced by G.
Protein change: p.Leu584Arg; replaces leucine 584 with arginine.
Molecular consequence: missense variant. On other transcripts: non-coding transcript variant (1).
Genome position (GRCh38, 1-based): chr7:105,563,812, T>G. VCF-style: chr7-105563812-T-G. GRCh37 (hg19) VCF-style: chr7-105204259-T-G.
Other names: c.1517T>G, p.Leu506Arg (NM_001346599.2); c.728T>G, p.Leu243Arg (NM_001346600.2, NM_001346603.2); c.827T>G, p.Leu276Arg (NM_001346601.2); short protein forms L243R, L276R, L506R, L584R.
Identifiers: ClinVar variation 1056726 (VCV001056726.12), dbSNP rs752301281, ClinGen allele CA4426765.